The following is an entry in ClinVar:

ClinVar aggregate classification (germline): Uncertain significance. Review status: criteria provided, multiple submitters, no conflicts (2 of 4 stars). 2 submissions from 2 submitters: Uncertain significance (2). Last evaluated 2024-09-27.

Conditions:
Hereditary cancer-predisposing syndrome. Also called: Neoplastic Syndromes, Hereditary; Hereditary neoplastic syndrome; Tumor predisposition; Hereditary Cancer Syndrome. Identifiers: Orphanet 140162, MedGen C0027672, MeSH D009386, MONDO:0015356.
Cardiovascular phenotype. Identifiers: MedGen CN230736.

Allele frequency attached by ClinVar (database versions not stated): gnomAD 0.00001.
gnomAD v4.1: 1 of 1,607,198 alleles (0.000062%); highest among the groups gnomAD compares: Non-Finnish European, 0.000085%; no homozygotes.

Submissions (2):

Labcorp Genetics (formerly Invitae), Labcorp
Classification: Uncertain significance. Last evaluated: 2024-09-27. Review status: criteria provided, single submitter. Criteria: Invitae Variant Classification Sherloc (09022015). Collection method: clinical testing. Allele origin: germline.
Comment: This sequence change falls in intron 8 of the LZTR1 gene. It does not directly change the encoded amino acid sequence of the LZTR1 protein. It affects a nucleotide within the consensus splice site. This variant is present in population databases (no rsID available, gnomAD 0.007%). This variant has not been reported in the literature in individuals affected with LZTR1-related conditions. Variants that disrupt the consensus splice site are a relatively common cause of aberrant splicing (PMID: 17576681, 9536098). Algorithms developed to predict the effect of sequence changes on RNA splicing suggest that this variant is not likely to affect RNA splicing. In summary, the available evidence is currently insufficient to determine the role of this variant in disease. Therefore, it has been classified as a Variant of Uncertain Significance.

Ambry Genetics
Classification: Uncertain significance for Cardiovascular phenotype; Hereditary cancer-predisposing syndrome. Last evaluated: 2023-12-13. Review status: criteria provided, single submitter. Criteria: Ambry Variant Classification Scheme 2023. Collection method: clinical testing. Allele origin: germline.
Comment: The c.791+3G>A intronic variant results from a G to A substitution 3 nucleotides after coding exon 8 in the LZTR1 gene. This nucleotide position is not well conserved in available vertebrate species. In silico splice site analysis predicts that this alteration will not have any significant effect on splicing. Since supporting evidence is limited at this time, the clinical significance of this alteration remains unclear.

Literature cited by the submitters: PubMed 17576681 (cited by Labcorp Genetics (formerly Invitae), Labcorp); PubMed 9536098 (cited by Labcorp Genetics (formerly Invitae), Labcorp).

NM_006767.4(LZTR1):c.791+3G>A

Gene: LZTR1 (leucine zipper like post translational regulator 1; plus strand). Cytogenetic location: 22q11.21.
Variant type: single nucleotide variant.
Coding change: c.791+3G>A on transcript NM_006767.4 (MANE Select); 3 bases into the intron after coding-DNA position 791, G replaced by A.
Molecular consequence: intron variant.
Genome position (GRCh38, 1-based): chr22:20,990,528, G>A. VCF-style: chr22-20990528-G-A. GRCh37 (hg19) VCF-style: chr22-21344817-G-A.
Other names: c.791+3G>A (NM_006767.3).
Identifiers: ClinVar variation 2889244 (VCV002889244.4), dbSNP rs1206513796, ClinGen allele CA638556042.
Genomic context (GRCh38, chr22:20,990,528, plus strand): 5'-GGCAAAGCGGAGCCAAAATAACCAACAACCTCTTCCAGTTTGAATTCAAGGACAAGACGT[G>A]AGTACTCTGGCCAGTGGGGTGGAGGGAGGACGGTCAGTTCCCTCGAATCCTTCTGAATAT-3'